The following is an entry in ClinVar:

NM_001372044.2(SHANK3):c.3339C>T (p.Ser1113=)

Gene: SHANK3 (SH3 and multiple ankyrin repeat domains 3; plus strand). Cytogenetic location: 22q13.33.
Variant type: single nucleotide variant.
Coding change: c.3339C>T on transcript NM_001372044.2 (MANE Select); coding-DNA position 3339, C replaced by T.
Protein change: p.Ser1113=; no amino-acid change (serine 1113 retained).
Molecular consequence: synonymous variant.
Genome position (GRCh38, 1-based): chr22:50,720,947, C>T. VCF-style: chr22-50720947-C-T. GRCh37 (hg19) VCF-style: chr22-51159375-C-T.
Other names: c.3114C>T, p.Ser1038= (NM_033517.1).
Identifiers: ClinVar variation 2653425 (VCV002653425.24), dbSNP rs780166385, ClinGen allele CA10325954.

ClinVar aggregate classification (germline): Likely benign (1 of 4 stars; one submission).

Allele frequency attached by ClinVar (database versions not stated): gnomAD 0.00007; TOPMed 0.00009.

Submission:

CeGaT Center for Human Genetics Tuebingen
Classification: Likely benign. Last evaluated: 2026-05-01. Review status: criteria provided, single submitter. Criteria: CeGaT Center For Human Genetics Tuebingen Variant Classification Criteria Version 2. Collection method: clinical testing. Allele origin: germline. Affected: yes. Observed: 4 variant alleles.
Comment: SHANK3: BP4, BP7